The following is an entry in ClinVar:

ClinVar aggregate classification (germline): Pathogenic (1 of 4 stars; one submission).

Conditions:
Pyruvate dehydrogenase E3 deficiency (DLDD). Also called: Dihydrolipoamide Dehydrogenase (E3) Deficiency; DLD DEFICIENCY; E3 DEFICIENCY; Dihydrolipoamide Dehydrogenase E3 Deficiency; MAPLE SYRUP URINE DISEASE, TYPE III; Lipoamide dehydrogenase deficiency, lactic acidosis due to. Identifiers: Orphanet 2394, Orphanet 765, MedGen C5574660, MONDO:0009529, OMIM 246900.

Submission:

Myriad Genetics, Inc.
Classification: Pathogenic for Pyruvate dehydrogenase E3 deficiency. Last evaluated: 2024-10-23. Review status: criteria provided, single submitter. Criteria: Myriad Autosomal Dominant, Autosomal Recessive and X-Linked Classification Criteria (2023). Collection method: clinical testing. Allele origin: unknown.
Comment: NM_000108.3(DLD):c.1077delT(P360Qfs*33) is expected to be pathogenic in the context of dihydrolipoamide dehydrogenase deficiency. This variant is predicted to lead to an abnormal or absent protein product due to the creation of a premature termination codon in DLD, a gene where loss-of-function variants are known to be pathogenic. Please note: this variant was assessed in the context of healthy population screening.

NM_000108.5(DLD):c.1077del (p.Pro360fs)

Gene: DLD (dihydrolipoamide dehydrogenase; plus strand). Cytogenetic location: 7q31.1.
Variant type: Deletion.
Coding change: c.1077del on transcript NM_000108.5 (MANE Select); coding-DNA position 1077, one base deleted (T; older notation c.1077delT).
Protein change: p.Pro360fs; shifts the reading frame from proline 360.
Molecular consequence: frameshift variant.
Genome position (GRCh38, 1-based): chr7:107,917,303, T deleted. VCF-style (leftmost placement, unchanged base first): chr7-107917302-GT-G. GRCh37 (hg19) VCF-style: chr7-107557747-GT-G.
Other names: c.780del, p.Pro261fs (NM_001289750.1); c.1008del, p.Pro337fs (NM_001289751.1); c.933del, p.Pro312fs (NM_001289752.1); short protein forms P261fs, P312fs, P337fs, P360fs.
Identifiers: ClinVar variation 5013673 (VCV005013673.1).